The following is an entry in ClinVar:

ClinVar aggregate classification (germline): Uncertain significance (1 of 4 stars; one submission).

Conditions:
Facioscapulohumeral muscular dystrophy 2 (FSHD2). Also called: MUSCULAR DYSTROPHY, FACIOSCAPULOHUMERAL, TYPE 1B; FACIOSCAPULOHUMERAL MUSCULAR DYSTROPHY 2, DIGENIC; FSHD2, DIGENIC. Identifiers: Orphanet 269, MedGen C1834671, MONDO:0008031, OMIM 158901.

Allele frequency attached by ClinVar (database versions not stated): gnomAD below 0.00001 and 0.00001; gnomAD exomes below 0.00001.
gnomAD v4.1: 3 of 1,609,538 alleles (0.00019%); highest among the groups gnomAD compares: Admixed American, 0.0017%; no homozygotes.

Submission:

Labcorp Genetics (formerly Invitae), Labcorp
Classification: Uncertain significance for Facioscapulohumeral muscular dystrophy 2. Last evaluated: 2019-01-27. Review status: criteria provided, single submitter. Criteria: Invitae Variant Classification Sherloc (09022015). Collection method: clinical testing. Allele origin: germline.
Comment: This variant has not been reported in the literature in individuals with SMCHD1-related conditions. Algorithms developed to predict the effect of missense changes on protein structure and function are either unavailable or do not agree on the potential impact of this missense change (SIFT: "Deleterious"; PolyPhen-2: "Possibly Damaging"; Align-GVGD: "Class C0"). In summary, the available evidence is currently insufficient to determine the role of this variant in disease. Therefore, it has been classified as a Variant of Uncertain Significance. This variant is not present in population databases (ExAC no frequency). This sequence change replaces histidine with arginine at codon 637 of the SMCHD1 protein (p.His637Arg). The histidine residue is highly conserved and there is a small physicochemical difference between histidine and arginine.

NM_015295.3(SMCHD1):c.1910A>G (p.His637Arg)

Gene: SMCHD1 (structural maintenance of chromosomes flexible hinge domain containing 1; plus strand). Cytogenetic location: 18p11.32.
Variant type: single nucleotide variant.
Coding change: c.1910A>G on transcript NM_015295.3 (MANE Select); coding-DNA position 1910, A replaced by G.
Protein change: p.His637Arg; replaces histidine 637 with arginine.
Molecular consequence: missense variant.
Genome position (GRCh38, 1-based): chr18:2,705,761, A>G. VCF-style: chr18-2705761-A-G. GRCh37 (hg19) VCF-style: chr18-2705759-A-G.
Other names: short protein forms H637R.
Identifiers: ClinVar variation 850368 (VCV000850368.9), dbSNP rs920418184, ClinGen allele CA295457187.